The following is an entry in ClinVar:

NM_000891.3(KCNJ2):c.327C>T (p.Leu109=)

Gene: KCNJ2 (potassium inwardly rectifying channel subfamily J member 2; plus strand). Cytogenetic location: 17q24.3.
Variant type: single nucleotide variant.
Coding change: c.327C>T on transcript NM_000891.3 (MANE Select); coding-DNA position 327, C replaced by T.
Protein change: p.Leu109=; no amino-acid change (leucine 109 retained).
Molecular consequence: synonymous variant.
Genome position (GRCh38, 1-based): chr17:70,175,366, C>T. VCF-style: chr17-70175366-C-T. GRCh37 (hg19) VCF-style: chr17-68171507-C-T.
Identifiers: ClinVar variation 468465 (VCV000468465.13), dbSNP rs140274795, ClinGen allele CA8738716.

ClinVar aggregate classification (germline): Likely benign. Review status: criteria provided, multiple submitters, no conflicts (2 of 4 stars). 3 submissions from 3 submitters: Likely benign (3). Last evaluated 2026-01-26.

Conditions:
Andersen Tawil syndrome (LQT7). Also called: ANDERSEN CARDIODYSRHYTHMIC PERIODIC PARALYSIS; LONG QT SYNDROME 7; PERIODIC PARALYSIS, POTASSIUM-SENSITIVE CARDIODYSRHYTHMIC TYPE; Andersen Syndrome; Potassium-sensitive periodic paralysis, ventricular ectopy, and dysmorphic features. Identifiers: Orphanet 37553, MedGen C1563715, MONDO:0008222, OMIM 170390.
Short QT syndrome type 3. Identifiers: Orphanet 51083, MedGen C1865018, MONDO:0012314, OMIM 609622.
Cardiovascular phenotype. Identifiers: MedGen CN230736.

Allele frequency attached by ClinVar (database versions not stated): gnomAD exomes 0.00003; ExAC 0.00004; gnomAD 0.00008 and 0.00009; TOPMed 0.00010; ESP Exome Variant Server 0.00023.
gnomAD v4.1: 22 of 1,614,010 alleles (0.0014%); highest among the groups gnomAD compares: African/African-American, 0.029%; no homozygotes.

Submissions (3):

Labcorp Genetics (formerly Invitae), Labcorp
Classification: Likely benign for Short QT syndrome type 3; Andersen Tawil syndrome. Last evaluated: 2026-01-26. Review status: criteria provided, single submitter. Criteria: Invitae Variant Classification Sherloc (09022015). Collection method: clinical testing. Allele origin: germline.

GeneDx
Classification: Likely benign. Last evaluated: 2018-04-26. Review status: criteria provided, single submitter. Criteria: GeneDx Variant Classification (06012015). Collection method: clinical testing. Allele origin: germline. Affected: yes.
Comment: This variant is considered likely benign or benign based on one or more of the following criteria: it is a conservative change, it occurs at a poorly conserved position in the protein, it is predicted to be benign by multiple in silico algorithms, and/or has population frequency not consistent with disease.

Ambry Genetics
Classification: Likely benign for Cardiovascular phenotype. Last evaluated: 2017-07-13. Review status: criteria provided, single submitter. Criteria: Ambry Variant Classification Scheme 2023. Collection method: clinical testing. Allele origin: germline.